The following is an entry in ClinVar:

NM_032043.3(BRIP1):c.2211A>G (p.Glu737=)

Gene: BRIP1 (BRCA1 interacting DNA helicase 1; minus strand). Cytogenetic location: 17q23.2.
Variant type: single nucleotide variant.
Coding change: c.2211A>G on transcript NM_032043.3 (MANE Select); coding-DNA position 2211, A replaced by G.
Protein change: p.Glu737=; no amino-acid change (glutamic acid 737 retained).
Molecular consequence: synonymous variant.
Genome position (GRCh38, 1-based): chr17:61,744,478, T>C on the plus strand (A>G on the coding strand, the complement: BRIP1 is on the minus strand). VCF-style: chr17-61744478-T-C. GRCh37 (hg19) VCF-style: chr17-59821839-T-C.
Identifiers: ClinVar variation 820899 (VCV000820899.17), dbSNP rs1603304536, ClinGen allele CA501151307.

ClinVar aggregate classification (germline): Benign/Likely benign. Review status: criteria provided, multiple submitters, no conflicts (2 of 4 stars). 4 submissions from 4 submitters: Benign (1); Likely benign (3). Last evaluated 2025-03-27.

Conditions:
Hereditary cancer-predisposing syndrome. Also called: Hereditary Cancer Syndrome; Neoplastic Syndromes, Hereditary; Hereditary neoplastic syndrome; Tumor predisposition. Identifiers: Orphanet 140162, MedGen C0027672, MeSH D009386, MONDO:0015356.
Familial cancer of breast. Also called: Hereditary breast cancer; hereditary breast carcinoma; BREAST CANCER, FAMILIAL. Identifiers: Orphanet 227535, MedGen C0346153, MONDO:0016419, OMIM 114480. Disease mechanism: loss of function.
Fanconi anemia complementation group J. Also called: BRIP1-Related Fanconi Anemia. Identifiers: Orphanet 84, MedGen C1836860, MONDO:0012187, OMIM 609054.

Submissions (4):

Labcorp Genetics (formerly Invitae), Labcorp
Classification: Likely benign for Familial cancer of breast; Fanconi anemia complementation group J. Last evaluated: 2025-03-27. Review status: criteria provided, single submitter. Criteria: Invitae Variant Classification Sherloc (09022015). Collection method: clinical testing. Allele origin: germline.

Myriad Genetics, Inc.
Classification: Benign for Familial cancer of breast. Last evaluated: 2024-09-03. Review status: criteria provided, single submitter. Criteria: Myriad Autosomal Dominant, Autosomal Recessive and X-Linked Classification Criteria (2023). Collection method: clinical testing. Allele origin: unknown.
Comment: This variant is considered benign. This variant is a silent/synonymous amino acid change and it is not expected to impact splicing.

Color Diagnostics, LLC DBA Color Health
Classification: Likely benign for Hereditary cancer-predisposing syndrome. Last evaluated: 2020-10-13. Review status: criteria provided, single submitter. Criteria: ACMG Guidelines, 2015. Collection method: clinical testing. Allele origin: germline.

Ambry Genetics
Classification: Likely benign for Hereditary cancer-predisposing syndrome. Last evaluated: 2019-10-26. Review status: criteria provided, single submitter. Criteria: Ambry Variant Classification Scheme 2023. Collection method: clinical testing. Allele origin: germline.